The following is an entry in ClinVar:

NM_020821.3(VPS13C):c.3164A>C (p.Glu1055Ala)

Gene: VPS13C (vacuolar protein sorting 13 homolog C; minus strand). Cytogenetic location: 15q22.2.
Variant type: single nucleotide variant.
Coding change: c.3164A>C on transcript NM_020821.3 (MANE Select); coding-DNA position 3164, A replaced by C.
Protein change: p.Glu1055Ala; replaces glutamic acid 1055 with alanine.
Molecular consequence: missense variant.
Genome position (GRCh38, 1-based): chr15:61,964,749, T>G on the plus strand (A>C on the coding strand, the complement: VPS13C is on the minus strand). VCF-style: chr15-61964749-T-G. GRCh37 (hg19) VCF-style: chr15-62256948-T-G.
Other names: c.3164A>C, p.Glu1055Ala (NM_001018088.3); c.3035A>C, p.Glu1012Ala (NM_017684.5, NM_018080.4); short protein forms E1012A, E1055A.
Identifiers: ClinVar variation 725985 (VCV000725985.10), dbSNP rs192138453, ClinGen allele CA7596474.

ClinVar aggregate classification (germline): Likely benign. Review status: criteria provided, multiple submitters, no conflicts (2 of 4 stars). 2 submissions from 2 submitters: Likely benign (2). Last evaluated 2025-06-30.

Conditions:
VPS13C-related disorder. Also called: VPS13C-related condition.

Allele frequency attached by ClinVar (database versions not stated): gnomAD exomes 0.00006 and 0.00021; gnomAD 0.00007 and 0.00011; 1000 Genomes Project 30x 0.00016; TOPMed 0.00016; 1000 Genomes Project 0.00020; ExAC 0.00022.
gnomAD v4.1: 101 of 1,611,640 alleles (0.0063%); highest among the groups gnomAD compares: East Asian, 0.2%; no homozygotes.

Submissions (2):

PreventionGenetics, part of Exact Sciences
Classification: Likely benign for VPS13C-related condition. Last evaluated: 2025-06-30. Review status: criteria provided, single submitter. Criteria: ACMG Guidelines, 2015. Collection method: clinical testing. Allele origin: germline.
Comment: This variant is classified as likely benign based on ACMG/AMP sequence variant interpretation guidelines (Richards et al. 2015 PMID: 25741868, with internal and published modifications).

Labcorp Genetics (formerly Invitae), Labcorp
Classification: Likely benign. Last evaluated: 2024-12-30. Review status: criteria provided, single submitter. Criteria: Invitae Variant Classification Sherloc (09022015). Collection method: clinical testing. Allele origin: germline.